The following is an entry in ClinVar:

NM_001458.5(FLNC):c.3448C>T (p.Arg1150Trp)

Gene: FLNC (filamin C; plus strand). Cytogenetic location: 7q32.1.
Variant type: single nucleotide variant.
Coding change: c.3448C>T on transcript NM_001458.5 (MANE Select); coding-DNA position 3448, C replaced by T.
Protein change: p.Arg1150Trp; replaces arginine 1150 with tryptophan.
Molecular consequence: missense variant.
Genome position (GRCh38, 1-based): chr7:128,844,913, C>T. VCF-style: chr7-128844913-C-T. GRCh37 (hg19) VCF-style: chr7-128484967-C-T.
Other names: c.3448C>T, p.Arg1150Trp (NM_001127487.2); short protein forms R1150W.
Identifiers: ClinVar variation 938780 (VCV000938780.15), dbSNP rs779184516, ClinGen allele CA4475041.

ClinVar aggregate classification (germline): Uncertain significance. Review status: criteria provided, multiple submitters, no conflicts (2 of 4 stars). 5 submissions from 5 submitters: Uncertain significance (5). Last evaluated 2026-02-03.

Conditions:
Myofibrillar myopathy 5. Also called: Filaminopathy (type); FILAMINOPATHY, AUTOSOMAL DOMINANT. Identifiers: Orphanet 171445, MedGen C1836050, MONDO:0012289, OMIM 609524.
Distal myopathy with posterior leg and anterior hand involvement. Also called: WILLIAMS DISTAL MYOPATHY. Identifiers: Orphanet 63273, MedGen C3279722, MONDO:0013550, OMIM 614065.
Hypertrophic cardiomyopathy 26. Also called: Cardiomyopathy, familial hypertrophic, 26. Identifiers: Orphanet 75249, MedGen C4310749, MONDO:0014883, OMIM 617047.
Cardiovascular phenotype. Identifiers: MedGen CN230736.

gnomAD v4.1: 17 of 1,613,818 alleles (0.0011%); highest among the groups gnomAD compares: Middle Eastern, 0.016%; no homozygotes.

Submissions (5):

Labcorp Genetics (formerly Invitae), Labcorp
Classification: Uncertain significance for Distal myopathy with posterior leg and anterior hand involvement; Myofibrillar myopathy 5; Hypertrophic cardiomyopathy 26. Last evaluated: 2026-02-03. Review status: criteria provided, single submitter. Criteria: Invitae Variant Classification Sherloc (09022015). Collection method: clinical testing. Allele origin: germline.
Comment: This sequence change replaces arginine, which is basic and polar, with tryptophan, which is neutral and slightly polar, at codon 1150 of the FLNC protein (p.Arg1150Trp). This variant is present in population databases (rs779184516, gnomAD 0.01%). This variant has not been reported in the literature in individuals affected with FLNC-related conditions. ClinVar contains an entry for this variant (Variation ID: 938780). Invitae Evidence Modeling of protein sequence and biophysical properties (such as structural, functional, and spatial information, amino acid conservation, physicochemical variation, residue mobility, and thermodynamic stability) has been performed for this missense variant. However, the output from this modeling did not meet the statistical confidence thresholds required to predict the impact of this variant on FLNC protein function. In summary, the available evidence is currently insufficient to determine the role of this variant in disease. Therefore, it has been classified as a Variant of Uncertain Significance.

Ambry Genetics
Classification: Uncertain significance for Cardiovascular phenotype. Last evaluated: 2026-01-26. Review status: criteria provided, single submitter. Criteria: Ambry Variant Classification Scheme 2023. Collection method: clinical testing. Allele origin: germline.
Comment: The p.R1150W variant (also known as c.3448C>T), located in coding exon 21 of the FLNC gene, results from a C to T substitution at nucleotide position 3448. The arginine at codon 1150 is replaced by tryptophan, an amino acid with dissimilar properties. This amino acid position is not well conserved in available vertebrate species. In addition, the in silico prediction for this alteration is inconclusive. Since supporting evidence is limited at this time, the clinical significance of this alteration remains unclear.

Women's Health and Genetics/Laboratory Corporation of America, LabCorp
Classification: Uncertain significance. Last evaluated: 2025-07-24. Review status: criteria provided, single submitter. Criteria: LabCorp Variant Classification Summary - May 2015. Collection method: clinical testing. Allele origin: germline.

Revvity Omics, Revvity
Classification: Uncertain significance. Last evaluated: 2021-04-12. Review status: criteria provided, single submitter. Criteria: ACMG Guidelines, 2015. Collection method: clinical testing. Allele origin: germline.

GeneDx
Classification: Uncertain significance. Last evaluated: 2020-01-28. Review status: criteria provided, single submitter. Criteria: GeneDx Variant Classification Process June 2021. Collection method: clinical testing. Allele origin: germline. Affected: yes.
Comment: Has not been previously published as pathogenic or benign to our knowledge; Not observed at a significant frequency in large population cohorts (Lek et al., 2016); In silico analysis, which includes protein predictors and evolutionary conservation, supports a deleterious effect